The following is an entry in ClinVar:

NM_003000.3(SDHB):c.510T>C (p.Tyr170=)

Gene: SDHB (succinate dehydrogenase complex iron sulfur subunit B; minus strand). Cytogenetic location: 1p36.13.
Variant type: single nucleotide variant.
Coding change: c.510T>C on transcript NM_003000.3 (MANE Select); coding-DNA position 510, T replaced by C.
Protein change: p.Tyr170=; no amino-acid change (tyrosine 170 retained).
Molecular consequence: synonymous variant.
Genome position (GRCh38, 1-based): chr1:17,027,779, A>G on the plus strand (T>C on the coding strand, the complement: SDHB is on the minus strand). VCF-style: chr1-17027779-A-G. GRCh37 (hg19) VCF-style: chr1-17354274-A-G.
Other names: c.456T>C, p.Tyr152= (NM_001407361.1).
Identifiers: ClinVar variation 3751047 (VCV003751047.4).

ClinVar aggregate classification (germline): Benign/Likely benign. Review status: criteria provided, multiple submitters, no conflicts (2 of 4 stars). 3 submissions from 3 submitters: Benign (1); Likely benign (2). Last evaluated 2026-03-06.

Conditions:
Pheochromocytoma/paraganglioma syndrome 4. Also called: CAROTID BODY TUMORS AND MULTIPLE EXTRAADRENAL PHEOCHROMOCYTOMAS; PARAGANGLIOMA, FAMILIAL MALIGNANT; PARAGANGLIOMAS, HEREDITARY EXTRAADRENAL; PHEOCHROMOCYTOMA, FAMILIAL EXTRAADRENAL; Paragangliomas 4; SDHB-Related Hereditary Paraganglioma-Pheochromocytoma Syndrome (Paragangliomas 4). Identifiers: Orphanet 29072, MedGen C1861848, MONDO:0007273, OMIM 115310.
Hereditary cancer-predisposing syndrome. Also called: Neoplastic Syndromes, Hereditary; Tumor predisposition; Hereditary Cancer Syndrome; Hereditary neoplastic syndrome. Identifiers: Orphanet 140162, MedGen C0027672, MeSH D009386, MONDO:0015356.
Pheochromocytoma. Also called: MAX-Related Hereditary Paraganglioma-Pheochromocytoma Syndrome. Identifiers: Orphanet 29072, MedGen C0031511, MONDO:0008233, OMIM 171300, HP:0002666.
Gastrointestinal stromal tumor. Also called: Gastrointestinal stromal tumor, somatic; Gastrointestinal stroma tumor. Identifiers: Orphanet 44890, MedGen C0238198, MeSH D046152, MONDO:0011719, OMIM 606764, HP:0100723.

Submissions (3):

Ambry Genetics
Classification: Likely benign for Hereditary cancer-predisposing syndrome. Last evaluated: 2026-03-06. Review status: criteria provided, single submitter. Criteria: Ambry Variant Classification Scheme 2023. Collection method: clinical testing. Allele origin: germline.

Myriad Genetics, Inc.
Classification: Benign for Pheochromocytoma/paraganglioma syndrome 4. Last evaluated: 2025-03-13. Review status: criteria provided, single submitter. Criteria: Myriad Autosomal Dominant, Autosomal Recessive and X-Linked Classification Criteria (2023). Collection method: clinical testing. Allele origin: unknown.
Comment: This variant is considered benign. This variant is a silent/synonymous amino acid change and it is not expected to impact splicing.

Labcorp Genetics (formerly Invitae), Labcorp
Classification: Likely benign for Gastrointestinal stromal tumor; Pheochromocytoma/paraganglioma syndrome 4; Pheochromocytoma. Last evaluated: 2024-03-02. Review status: criteria provided, single submitter. Criteria: Invitae Variant Classification Sherloc (09022015). Collection method: clinical testing. Allele origin: germline.